The following is an entry in ClinVar:

NM_013275.6(ANKRD11):c.7635C>T (p.Ile2545=)

Gene: ANKRD11 (ankyrin repeat domain 11; minus strand). Cytogenetic location: 16q24.3.
Variant type: single nucleotide variant.
Coding change: c.7635C>T on transcript NM_013275.6 (MANE Select); coding-DNA position 7635, C replaced by T.
Protein change: p.Ile2545=; no amino-acid change (isoleucine 2545 retained).
Molecular consequence: synonymous variant.
Genome position (GRCh38, 1-based): chr16:89,274,892, G>A on the plus strand (C>T on the coding strand, the complement: ANKRD11 is on the minus strand). VCF-style: chr16-89274892-G-A. GRCh37 (hg19) VCF-style: chr16-89341300-G-A.
Other names: c.7635C>T, p.Ile2545= (NM_001256182.2, NM_001256183.2).
Identifiers: ClinVar variation 1216435 (VCV001216435.30), dbSNP rs374764021, ClinGen allele CA8241068.

ClinVar aggregate classification (germline): Likely benign. Review status: criteria provided, multiple submitters, no conflicts (2 of 4 stars). 4 submissions from 4 submitters: Likely benign (4). Last evaluated 2024-11-13.

Conditions:
KBG syndrome (KBGS). Also called: ANKRD11-Related KBG Syndrome. Identifiers: Orphanet 2332, MedGen C0220687, MONDO:0007846, OMIM 148050.

Allele frequency attached by ClinVar (database versions not stated): ExAC 0.00002; gnomAD exomes 0.00003 and 0.00015; TOPMed 0.00006; ESP Exome Variant Server 0.00008; gnomAD 0.00008.
gnomAD v4.1: 224 of 1,613,596 alleles (0.014%); highest among the groups gnomAD compares: Non-Finnish European, 0.017%; no homozygotes.

Submissions (4):

Labcorp Genetics (formerly Invitae), Labcorp
Classification: Likely benign for KBG syndrome. Last evaluated: 2024-11-13. Review status: criteria provided, single submitter. Criteria: Invitae Variant Classification Sherloc (09022015). Collection method: clinical testing. Allele origin: germline.

Blueprint Genetics
Classification: Likely benign. Last evaluated: 2024-11-06. Review status: criteria provided, single submitter. Criteria: ACMG Guidelines, 2015. Collection method: clinical testing. Allele origin: germline.

CeGaT Center for Human Genetics Tuebingen
Classification: Likely benign. Last evaluated: 2023-01-01. Review status: criteria provided, single submitter. Criteria: CeGaT Center For Human Genetics Tuebingen Variant Classification Criteria Version 2. Collection method: clinical testing. Allele origin: germline. Affected: yes. Observed: 1 variant allele.
Comment: ANKRD11: BP4, BP7

GeneDx
Classification: Likely benign. Last evaluated: 2020-10-22. Review status: criteria provided, single submitter. Criteria: GeneDx Variant Classification Process June 2021. Collection method: clinical testing. Allele origin: germline. Affected: yes.